The following is an entry in ClinVar:

ClinVar aggregate classification (germline): Uncertain significance (1 of 4 stars; one submission).

Submission:

GeneDx
Classification: Uncertain significance. Last evaluated: 2026-01-23. Review status: criteria provided, single submitter. Criteria: GeneDx Variant Classification Process June 2021. Collection method: clinical testing. Allele origin: germline.
Comment: Not observed at significant frequency in large population cohorts (gnomAD); In silico analysis suggests that this missense variant does not alter protein structure/function; Has not been previously published as pathogenic or benign to our knowledge

NM_006245.4(PPP2R5D):c.1081G>A (p.Val361Ile)

Gene: PPP2R5D (protein phosphatase 2 regulatory subunit B'delta; plus strand). Cytogenetic location: 6p21.1.
Variant type: single nucleotide variant.
Coding change: c.1081G>A on transcript NM_006245.4 (MANE Select); coding-DNA position 1081, G replaced by A.
Protein change: p.Val361Ile; replaces valine 361 with isoleucine.
Molecular consequence: missense variant.
Genome position (GRCh38, 1-based): chr6:43,009,057, G>A. VCF-style: chr6-43009057-G-A. GRCh37 (hg19) VCF-style: chr6-42976795-G-A.
Other names: c.628G>A, p.Val210Ile (NM_001270476.2); c.985G>A, p.Val329Ile (NM_180976.3); c.763G>A, p.Val255Ile (NM_180977.3); short protein forms V210I, V255I, V329I, V361I.
Identifiers: ClinVar variation 4975564 (VCV004975564.1).